The following is an entry in ClinVar:

ClinVar aggregate classification (germline): Uncertain significance (1 of 4 stars; one submission).

Conditions:
Leukocyte adhesion deficiency type II. Also called: CDG IIc; Congenital disorder of glycosylation type 2C; CDG 2C; Leukocyte adhesion deficiency type 2; Rambam Hasharon syndrome; CONGENITAL DISORDER OF GLYCOSYLATION, TYPE IIc. Identifiers: Orphanet 2968, Orphanet 99843, MedGen C0398739, MONDO:0009953, OMIM 266265.

gnomAD v4.1: 2 of 1,608,396 alleles (0.00012%); highest among the groups gnomAD compares: Non-Finnish European, 0.00017%; no homozygotes.

Submission:

Labcorp Genetics (formerly Invitae), Labcorp
Classification: Uncertain significance for Leukocyte adhesion deficiency type II. Last evaluated: 2022-08-09. Review status: criteria provided, single submitter. Criteria: Invitae Variant Classification Sherloc (09022015). Collection method: clinical testing. Allele origin: germline.
Comment: Algorithms developed to predict the effect of missense changes on protein structure and function are either unavailable or do not agree on the potential impact of this missense change (SIFT: "Deleterious"; PolyPhen-2: "Benign"; Align-GVGD: "Class C0"). ClinVar contains an entry for this variant (Variation ID: 1356288). This variant has not been reported in the literature in individuals affected with SLC35C1-related conditions. This variant is not present in population databases (gnomAD no frequency). This sequence change replaces aspartic acid, which is acidic and polar, with glutamic acid, which is acidic and polar, at codon 110 of the SLC35C1 protein (p.Asp110Glu). In summary, the available evidence is currently insufficient to determine the role of this variant in disease. Therefore, it has been classified as a Variant of Uncertain Significance.

NM_018389.5(SLC35C1):c.330C>G (p.Asp110Glu)

Gene: SLC35C1 (solute carrier family 35 member C1; plus strand). Cytogenetic location: 11p11.2.
Variant type: single nucleotide variant.
Coding change: c.330C>G on transcript NM_018389.5 (MANE Select); coding-DNA position 330, C replaced by G.
Protein change: p.Asp110Glu; replaces aspartic acid 110 with glutamic acid.
Molecular consequence: missense variant.
Genome position (GRCh38, 1-based): chr11:45,806,131, C>G. VCF-style: chr11-45806131-C-G. GRCh37 (hg19) VCF-style: chr11-45827682-C-G.
Other names: c.291C>G, p.Asp97Glu (NM_001145265.2, NM_001145266.2); short protein forms D97E, D110E.
Identifiers: ClinVar variation 1356288 (VCV001356288.7), dbSNP rs374967002, ClinGen allele CA380202756.